The following is an entry in ClinVar:

NM_003722.5(TP63):c.1820T>C (p.Leu607Pro)

Gene: TP63 (tumor protein p63; plus strand). Cytogenetic location: 3q28.
Variant type: single nucleotide variant.
Coding change: c.1820T>C on transcript NM_003722.5 (MANE Select); coding-DNA position 1820, T replaced by C.
Protein change: p.Leu607Pro; replaces leucine 607 with proline.
Molecular consequence: missense variant. On other transcripts: 3 prime UTR variant (6).
Genome position (GRCh38, 1-based): chr3:189,894,279, T>C. VCF-style: chr3-189894279-T-C. GRCh37 (hg19) VCF-style: chr3-189612068-T-C.
Other names: c.*58T>C (NM_001114978.2, NM_001114981.2); c.1538T>C, p.Leu513Pro (NM_001114980.2); c.*48T>C (NM_001329144.2, NM_001329145.2, NM_001329149.2 and 1 more transcripts); c.1283T>C, p.Leu428Pro (NM_001329146.2); c.1808T>C, p.Leu603Pro (NM_001329148.2); c.1814T>C, p.Leu605Pro (NM_001329964.2); short protein forms L607P, L428P, L603P, L513P, L605P.
Identifiers: ClinVar variation 431926 (VCV000431926.3), dbSNP rs1440083511, ClinGen allele CA355751274.

ClinVar aggregate classification (germline): Uncertain significance (1 of 4 stars; one submission).

Allele frequency attached by ClinVar (database versions not stated): gnomAD exomes below 0.00001; TOPMed below 0.00001.
gnomAD v4.1: 5 of 1,614,092 alleles (0.00031%); highest among the groups gnomAD compares: Non-Finnish European, 0.00034%; no homozygotes.

Submission:

GeneDx
Classification: Uncertain significance. Last evaluated: 2023-12-09. Review status: criteria provided, single submitter. Criteria: GeneDx Variant Classification Process June 2021. Collection method: clinical testing. Allele origin: germline. Affected: yes.
Comment: Not observed at significant frequency in large population cohorts (gnomAD); In silico analysis supports that this missense variant does not alter protein structure/function; Has not been previously published as pathogenic or benign to our knowledge; This variant is associated with the following publications: (PMID: 29339502, 11159940)